The following is an entry in ClinVar:

NM_001291303.3(FAT4):c.2072C>T (p.Pro691Leu)

Gene: FAT4 (FAT atypical cadherin 4; plus strand). Cytogenetic location: 4q28.1.
Variant type: single nucleotide variant.
Coding change: c.2072C>T on transcript NM_001291303.3 (MANE Select); coding-DNA position 2072, C replaced by T.
Protein change: p.Pro691Leu; replaces proline 691 with leucine.
Molecular consequence: missense variant.
Genome position (GRCh38, 1-based): chr4:125,318,483, C>T. VCF-style: chr4-125318483-C-T. GRCh37 (hg19) VCF-style: chr4-126239638-C-T.
Other names: c.2072C>T, p.Pro691Leu (NM_001291285.3, NM_024582.6); c.2072C>T (NM_024582.5); short protein forms P691L.
Identifiers: ClinVar variation 2655077 (VCV002655077.25), dbSNP rs367958680, ClinGen allele CA104864792.
Genomic context (GRCh38, chr4:125,318,483, plus strand): 5'-CAATGGCTCGCATAAATGTGAGTCTTCTGGATATAAATGATAACAGCCCTGTCTTCTACC[C>T]GGTCCAATACTTTGCTCACATTAAGGAGAATGAGCCTGGAGGTAGCTACATCACCACTGT-3'
Protein context (NP_001278232.1, residues 681-701): DINDNSPVFY[Pro691Leu]VQYFAHIKEN

ClinVar aggregate classification (germline): Uncertain significance. Review status: criteria provided, multiple submitters, no conflicts (2 of 4 stars). 2 submissions from 2 submitters: Uncertain significance (2). Last evaluated 2024-06-11.

Conditions:
Hennekam lymphangiectasia-lymphedema syndrome 2 (HKLLS2). Identifiers: Orphanet 2136, MedGen C4014939, MONDO:0014454, OMIM 616006.
Van Maldergem syndrome 2 (VMLDS2). Identifiers: Orphanet 314679, MedGen C3809875, MONDO:0014242, OMIM 615546.

Allele frequency attached by ClinVar (database versions not stated): ESP Exome Variant Server 0.00008.
gnomAD v4.1: 3 of 1,614,142 alleles (0.00019%); highest among the groups gnomAD compares: African/African-American, 0.0013%; no homozygotes.

Submissions (2):

Fulgent Genetics
Classification: Uncertain significance for Van Maldergem syndrome 2; Hennekam lymphangiectasia-lymphedema syndrome 2. Last evaluated: 2024-06-11. Review status: criteria provided, single submitter. Criteria: ACMG Guidelines, 2015. Collection method: clinical testing. Allele origin: germline.

CeGaT Center for Human Genetics Tuebingen
Classification: Uncertain significance. Last evaluated: 2023-07-01. Review status: criteria provided, single submitter. Criteria: CeGaT Center For Human Genetics Tuebingen Variant Classification Criteria Version 2. Collection method: clinical testing. Allele origin: germline. Affected: yes. Observed: 1 variant allele.
Comment: FAT4: PM2